The following is an entry in ClinVar:

NM_001101.5(ACTB):c.914T>C (p.Met305Thr)

Gene: ACTB (actin beta; minus strand). Cytogenetic location: 7p22.1.
Variant type: single nucleotide variant.
Coding change: c.914T>C on transcript NM_001101.5 (MANE Select); coding-DNA position 914, T replaced by C.
Protein change: p.Met305Thr; replaces methionine 305 with threonine.
Molecular consequence: missense variant.
Genome position (GRCh38, 1-based): chr7:5,528,074, A>G on the plus strand (T>C on the coding strand, the complement: ACTB is on the minus strand). VCF-style: chr7-5528074-A-G. GRCh37 (hg19) VCF-style: chr7-5567705-A-G.
Other names: short protein forms M305T.
Identifiers: ClinVar variation 1309165 (VCV001309165.2), dbSNP rs1784803788, ClinGen allele CA366700091.

ClinVar aggregate classification (germline): Uncertain significance (1 of 4 stars; one submission).

Submission:

GeneDx
Classification: Uncertain significance. Last evaluated: 2019-10-17. Review status: criteria provided, single submitter. Criteria: GeneDx Variant Classification Process June 2021. Collection method: clinical testing. Allele origin: germline. Affected: yes.
Comment: Not observed in large population cohorts (Lek et al., 2016); The majority of missense variants in this gene are considered pathogenic (Stenson et al., 2014); In silico analysis, which includes protein predictors and evolutionary conservation, supports a deleterious effect; Has not been previously published as pathogenic or benign to our knowledge; This variant is associated with the following publications: (PMID: 28714951)